The following is an entry in ClinVar:

NM_005359.6(SMAD4):c.370G>C (p.Asp124His)

Gene: SMAD4 (SMAD family member 4; plus strand). Cytogenetic location: 18q21.2.
Variant type: single nucleotide variant.
Coding change: c.370G>C on transcript NM_005359.6 (MANE Select); coding-DNA position 370, G replaced by C.
Protein change: p.Asp124His; replaces aspartic acid 124 with histidine.
Molecular consequence: missense variant. On other transcripts: non-coding transcript variant (2).
Genome position (GRCh38, 1-based): chr18:51,048,806, G>C. VCF-style: chr18-51048806-G-C. GRCh37 (hg19) VCF-style: chr18-48575176-G-C.
Other names: c.370G>C, p.Asp124His (NM_001407041.1, NM_001407042.1, NM_001407043.1); short protein forms D124H.
Identifiers: ClinVar variation 2504239 (VCV002504239.1), dbSNP rs2144405905, ClinGen allele CA402458610.

ClinVar aggregate classification (germline): Uncertain significance (1 of 4 stars; one submission).

Submission:

GeneDx
Classification: Uncertain significance. Last evaluated: 2022-12-04. Review status: criteria provided, single submitter. Criteria: GeneDx Variant Classification Process June 2021. Collection method: clinical testing. Allele origin: germline. Affected: yes.
Comment: Not observed at significant frequency in large population cohorts (gnomAD); In silico analysis supports that this missense variant has a deleterious effect on protein structure/function; Has not been previously published as pathogenic or benign to our knowledge; This variant is associated with the following publications: (PMID: 15235019, 18823382, 22992590)